The following is an entry in ClinVar:

NM_001303052.2(MYT1L):c.1211G>C (p.Gly404Ala)

Gene: MYT1L (myelin transcription factor 1 like; minus strand). Cytogenetic location: 2p25.3.
Variant type: single nucleotide variant.
Coding change: c.1211G>C on transcript NM_001303052.2 (MANE Select); coding-DNA position 1211, G replaced by C.
Protein change: p.Gly404Ala; replaces glycine 404 with alanine.
Molecular consequence: missense variant.
Genome position (GRCh38, 1-based): chr2:1,922,558, C>G on the plus strand (G>C on the coding strand, the complement: MYT1L is on the minus strand). VCF-style: chr2-1922558-C-G. GRCh37 (hg19) VCF-style: chr2-1926330-C-G.
Other names: c.1211G>C, p.Gly404Ala (NM_001329844.2, NM_001329845.1, NM_001329846.3 and 6 more transcripts); short protein forms G404A.
Identifiers: ClinVar variation 1062083 (VCV001062083.9), dbSNP rs370168626, ClinGen allele CA345704645.
Genomic context (GRCh38, chr2:1,922,558, plus strand): 5'-AACACCTCTTCAGACCTGTCCGAGTTCACAGAGGTGGTATCGTCGTCCCGCTCATGACAC[C>G]CATCCTCCTTCGCACAGCTGGCAAACACTCTCGACCGGGGGCTCAACTGCTCCTCCAGCC-3'
Protein context (NP_001289981.1, residues 394-414): RVFASCAKED[Gly404Ala]CHERDDDTTS

ClinVar aggregate classification (germline): Uncertain significance (1 of 4 stars; one submission).

Submission:

Labcorp Genetics (formerly Invitae), Labcorp
Classification: Uncertain significance. Last evaluated: 2020-10-21. Review status: criteria provided, single submitter. Criteria: Invitae Variant Classification Sherloc (09022015). Collection method: clinical testing. Allele origin: germline.
Comment: In summary, the available evidence is currently insufficient to determine the role of this variant in disease. Therefore, it has been classified as a Variant of Uncertain Significance. Algorithms developed to predict the effect of missense changes on protein structure and function are either unavailable or do not agree on the potential impact of this missense change (SIFT: "Tolerated"; PolyPhen-2: "Possibly Damaging"; Align-GVGD: "Class C0"). This variant has not been reported in the literature in individuals with MYT1L-related conditions. This variant is not present in population databases (ExAC no frequency). This sequence change replaces glycine with alanine at codon 404 of the MYT1L protein (p.Gly404Ala). The glycine residue is moderately conserved and there is a small physicochemical difference between glycine and alanine.